The following is an entry in ClinVar:

ClinVar aggregate classification (germline): Uncertain significance (1 of 4 stars; one submission).

Conditions:
Charcot-Marie-Tooth disease type 1C. Also called: CMT, SLOW NERVE CONDUCTION TYPE C; HMSN IC; CHARCOT-MARIE-TOOTH DISEASE, DEMYELINATING, TYPE 1C; Charcot-Marie-Tooth disease, type IC; CHARCOT-MARIE-TOOTH NEUROPATHY, TYPE 1C; NEUROPATHY, HEREDITARY MOTOR AND SENSORY, TYPE IC. Identifiers: Orphanet 101083, MedGen C0270913, MONDO:0010995, OMIM 601098.

Submission:

Labcorp Genetics (formerly Invitae), Labcorp
Classification: Uncertain significance for Charcot-Marie-Tooth disease type 1C. Last evaluated: 2019-10-04. Review status: criteria provided, single submitter. Criteria: Invitae Variant Classification Sherloc (09022015). Collection method: clinical testing. Allele origin: germline.
Comment: This variant results in a copy number gain of the genomic region encompassing the full coding sequence of the LITAF gene. The boundaries of this event are unknown as they extend beyond the assayed region for this gene and therefore may encompass additional genes. As the precise location of this event is unknown, it may be in tandem or it may be located elsewhere in the genome. This variant has not been reported in the literature in individuals with LITAF-related conditions. In summary, the available evidence is currently insufficient to determine the role of this variant in disease. Therefore, it has been classified as a Variant of Uncertain Significance.

NC_000016.10:g.(?_11549637)_(11556730_?)dup

Gene: LITAF (lipopolysaccharide induced TNF factor; minus strand). Cytogenetic location: 16p13.13.
Variant type: Duplication.
Identifiers: ClinVar variation 830843 (VCV000830843.1).